The following is an entry in ClinVar:

NM_000424.4(KRT5):c.482T>A (p.Ile161Asn)

Gene: KRT5 (keratin 5; minus strand). Cytogenetic location: 12q13.13.
Variant type: single nucleotide variant.
Coding change: c.482T>A on transcript NM_000424.4 (MANE Select); coding-DNA position 482, T replaced by A.
Protein change: p.Ile161Asn; replaces isoleucine 161 with asparagine.
Molecular consequence: missense variant.
Genome position (GRCh38, 1-based): chr12:52,519,815, A>T on the plus strand (T>A on the coding strand, the complement: KRT5 is on the minus strand). VCF-style: chr12-52519815-A-T. GRCh37 (hg19) VCF-style: chr12-52913599-A-T.
Other names: short protein forms I161N.
Identifiers: ClinVar variation 426998 (VCV000426998.3), dbSNP rs58058996, ClinGen allele CA384929032.

ClinVar aggregate classification (germline): Pathogenic (1 of 4 stars; one submission).

gnomAD v4.1: 1 of 1,613,920 alleles (0.000062%); highest among the groups gnomAD compares: Non-Finnish European, 0.000085%; no homozygotes.

Submission:

GeneDx
Classification: Pathogenic. Last evaluated: 2025-08-05. Review status: criteria provided, single submitter. Criteria: GeneDx Variant Classification Process June 2021. Collection method: clinical testing. Allele origin: germline. Affected: yes.
Comment: Reported as a variant associated with the Weber-Cockayne form of EBS in published literature (PMID: 9804357) but additional evidence is not available; Located in the highly conserved head domain, which is intolerant to change; variants in this motif interfere with proper keratin intermediate filament assembly and function, resulting in skin fragility and/or hyperkeratosis (PMID: 21176769); Not observed at significant frequency in large population cohorts (gnomAD); In silico analysis supports that this missense variant has a deleterious effect on protein structure/function; This variant is associated with the following publications: (PMID: 12101866, 21176769, 9804357)